The following is an entry in ClinVar:

NM_001385001.1(MCTP2):c.1557A>C (p.Ala519=)

Gene: MCTP2 (multiple C2 and transmembrane domain containing 2; plus strand). Cytogenetic location: 15q26.2.
Variant type: single nucleotide variant.
Coding change: c.1557A>C on transcript NM_001385001.1 (MANE Select); coding-DNA position 1557, A replaced by C.
Protein change: p.Ala519=; no amino-acid change (alanine 519 retained).
Molecular consequence: synonymous variant. On other transcripts: non-coding transcript variant (7).
Genome position (GRCh38, 1-based): chr15:94,370,155, A>C. VCF-style: chr15-94370155-A-C. GRCh37 (hg19) VCF-style: chr15-94913384-A-C.
Other names: c.1557A>C, p.Ala519= (NM_001159643.2, NM_001385002.1, NM_001385003.1 and 5 more transcripts); c.321A>C, p.Ala107= (NM_001159644.2); c.1275A>C, p.Ala425= (NM_001385007.1); c.1059A>C, p.Ala353= (NM_001385009.1, NM_001385010.1); c.1239A>C, p.Ala413= (NM_001385011.1).
Identifiers: ClinVar variation 708026 (VCV000708026.6), dbSNP rs75051229, ClinGen allele CA7750020.

ClinVar aggregate classification (germline): Likely benign. Review status: criteria provided, single submitter (1 of 4 stars). 2 submissions from 2 submitters: Likely benign (1). 1 of the submissions does not count toward it. Last evaluated 2019-12-31.

Conditions:
MCTP2-related disorder. Also called: MCTP2-related condition.

Allele frequency attached by ClinVar (database versions not stated): 1000 Genomes Project 0.00060; 1000 Genomes Project 30x 0.00078; TOPMed 0.00087; gnomAD 0.00090 and 0.00094; ESP Exome Variant Server 0.00108; gnomAD exomes 0.00116 and 0.00162; ExAC 0.00136.
gnomAD v4.1: 2,461 of 1,613,150 alleles (0.15%); highest among the groups gnomAD compares: South Asian, 0.21%; 1 homozygote.

Submissions (2):

Labcorp Genetics (formerly Invitae), Labcorp
Classification: Likely benign. Last evaluated: 2019-12-31. Review status: criteria provided, single submitter. Criteria: Invitae Variant Classification Sherloc (09022015). Collection method: clinical testing. Allele origin: germline.

PreventionGenetics, part of Exact Sciences
Classification: Likely benign for MCTP2-related condition. Last evaluated: 2019-10-28. Review status: no assertion criteria provided. Collection method: clinical testing. Allele origin: germline. Not counted in ClinVar's aggregate classification.
Comment: This variant is classified as likely benign based on ACMG/AMP sequence variant interpretation guidelines (Richards et al. 2015 PMID: 25741868, with internal and published modifications).